The following is an entry in ClinVar:

ClinVar aggregate classification (germline): Conflicting classifications of pathogenicity. Review status: criteria provided, conflicting classifications (1 of 4 stars). 3 submissions from 3 submitters: Uncertain significance (2); Likely benign (1). Last evaluated 2025-04-09.

Conditions:
Dilated cardiomyopathy 1G (CMD1G). Identifiers: Orphanet 154, MedGen C1858763, MONDO:0011400, OMIM 604145.
Autosomal recessive limb-girdle muscular dystrophy type 2J (LGMDR10). Also called: Limb-girdle muscular dystrophy, type 2J; MUSCULAR DYSTROPHY, LIMB-GIRDLE, AUTOSOMAL RECESSIVE 10. Identifiers: Orphanet 140922, MedGen C1837342, MONDO:0012127, OMIM 608807.
Hypertrophic cardiomyopathy 9. Also called: Familial hypertrophic cardiomyopathy 9. Identifiers: MedGen C1861065, MONDO:0013412, OMIM 613765.

Allele frequency attached by ClinVar (database versions not stated): gnomAD exomes below 0.00001 and 0.00001; TOPMed below 0.00001; ExAC 0.00001; gnomAD 0.00001.
gnomAD v4.1: 5 of 1,613,336 alleles (0.00031%); highest among the groups gnomAD compares: Admixed American, 0.0017%; no homozygotes.

Submissions (3):

Molecular Diagnostic Laboratory for Inherited Cardiovascular Disease, Montreal Heart Institute
Classification: Likely benign. Last evaluated: 2025-04-09. Review status: criteria provided, single submitter. Criteria: ACMG Guidelines, 2015. Collection method: clinical testing. Allele origin: germline. Affected: no.
Comment: BP1

Labcorp Genetics (formerly Invitae), Labcorp
Classification: Uncertain significance for Dilated cardiomyopathy 1G; Autosomal recessive limb-girdle muscular dystrophy type 2J. Last evaluated: 2025-03-18. Review status: criteria provided, single submitter. Criteria: Invitae Variant Classification Sherloc (09022015). Collection method: clinical testing. Allele origin: germline.
Comment: This sequence change replaces lysine, which is basic and polar, with asparagine, which is neutral and polar, at codon 35560 of the TTN protein (p.Lys35560Asn). This variant is present in population databases (rs779206858, gnomAD 0.006%). This variant has not been reported in the literature in individuals affected with TTN-related conditions. ClinVar contains an entry for this variant (Variation ID: 1683558). Experimental studies and prediction algorithms are not available or were not evaluated, and the functional significance of this variant is currently unknown. This variant is located in the M band of TTN (PMID: 25589632). Non-truncating variants in this region may be relevant for neuromuscular disorders, but have not been definitively shown to cause cardiomyopathy (PMID: 23975875). In summary, the available evidence is currently insufficient to determine the role of this variant in disease. Therefore, it has been classified as a Variant of Uncertain Significance.

Laboratorio de Genetica e Diagnostico Molecular, Hospital Israelita Albert Einstein
Classification: Uncertain significance for Hypertrophic cardiomyopathy 9; Dilated cardiomyopathy 1G. Last evaluated: 2022-01-28. Review status: criteria provided, single submitter. Criteria: ACMG Guidelines, 2015. Collection method: clinical testing. Allele origin: germline. Affected: yes.
Comment: ACMG classification criteria: PM2 moderate, BP4 supporting

Literature cited by the submitters: PubMed 25589632 (cited by Labcorp Genetics (formerly Invitae), Labcorp); PubMed 23975875 (cited by Labcorp Genetics (formerly Invitae), Labcorp).

NM_001267550.2(TTN):c.106680G>C (p.Lys35560Asn)

Genes: TTN (titin; minus strand), TTN-AS1 (TTN antisense RNA 1; plus strand). Cytogenetic location: 2q31.2.
Variant type: single nucleotide variant.
Coding change: c.106680G>C on transcript NM_001267550.2 (MANE Select); coding-DNA position 106680, G replaced by C.
Protein change: p.Lys35560Asn; replaces lysine 35560 with asparagine.
Molecular consequence: missense variant.
Genome position (GRCh38, 1-based): chr2:178,529,071, C>G on the plus strand (G>C on the coding strand, the complement: TTN is on the minus strand). VCF-style: chr2-178529071-C-G. GRCh37 (hg19) VCF-style: chr2-179393798-C-G.
Other names: c.101757G>C, p.Lys33919Asn (NM_001256850.1); c.79485G>C, p.Lys26495Asn (NM_003319.4); c.98976G>C, p.Lys32992Asn (NM_133378.4); c.79860G>C, p.Lys26620Asn (NM_133432.3); c.80061G>C, p.Lys26687Asn (NM_133437.4); short protein forms K26495N, K26620N, K26687N, K32992N, K33919N, K35560N.
Identifiers: ClinVar variation 1683558 (VCV001683558.8), dbSNP rs779206858, ClinGen allele CA1985058.
Genomic context (GRCh38, chr2:178,529,071, plus strand): 5'-TGCTGATTTCTTGACTTCTTCAGAAATCAGAACCTTTGAAGCTTCCTCTTTGAGGGCTAA[C>G]TTTTCTTGAGATTTTGCCTCTGACATCTTAATTTCTTCAGACCTTAGGGCTTTTTGGGAA-3'
Protein context (NP_001254479.2, residues 35550-35570): IKMSEAKSQE[Lys35560Asn]LALKEEASKV